The following is an entry in ClinVar:

NM_000426.4(LAMA2):c.8256del (p.Ala2753fs)

Genes: LAMA2 (laminin subunit alpha 2; plus strand), LOC126859784 (CDK7 strongly-dependent group 2 enhancer GRCh37_chr6:129822854-129824053; plus strand). Cytogenetic location: 6q22.33.
Variant type: Deletion.
Coding change: c.8256del on transcript NM_000426.4 (MANE Select); coding-DNA position 8256, one base deleted (T; older notation c.8256delT).
Protein change: p.Ala2753fs; shifts the reading frame from alanine 2753.
Molecular consequence: frameshift variant.
Genome position (GRCh38, 1-based): chr6:129,502,670, T deleted. VCF-style (leftmost placement, unchanged base first): chr6-129502669-CT-C. GRCh37 (hg19) VCF-style: chr6-129823814-CT-C.
Other names: c.8244del, p.Ala2749fs (NM_001079823.2); short protein forms A2749fs, A2753fs.
Identifiers: ClinVar variation 2676250 (VCV002676250.4), dbSNP rs2533534992, ClinGen allele CA2578737849.

ClinVar aggregate classification (germline): Pathogenic/Likely pathogenic. Review status: criteria provided, multiple submitters, no conflicts (2 of 4 stars). 2 submissions from 2 submitters: Pathogenic (1); Likely pathogenic (1). Last evaluated 2024-03-16.

Conditions:
Merosin deficient congenital muscular dystrophy (MDC1A). Also called: Congenital merosin-deficient muscular dystrophy 1A; Congenital Muscular Dystrophy Type 1A (MDC1A). Identifiers: Orphanet 258, MedGen C1263858, MONDO:0011925, OMIM 607855.
LAMA2-related muscular dystrophy (LAMA2-RD). Also called: Laminin alpha 2-related dystrophy. Identifiers: MedGen C5679788, MONDO:0100228.

Submissions (2):

Labcorp Genetics (formerly Invitae), Labcorp
Classification: Pathogenic for LAMA2-related muscular dystrophy. Last evaluated: 2024-03-16. Review status: criteria provided, single submitter. Criteria: Invitae Variant Classification Sherloc (09022015). Collection method: clinical testing. Allele origin: germline.
Comment: This sequence change creates a premature translational stop signal (p.Ala2753Glnfs*8) in the LAMA2 gene. It is expected to result in an absent or disrupted protein product. Loss-of-function variants in LAMA2 are known to be pathogenic (PMID: 18700894, 32904964). This variant is not present in population databases (gnomAD no frequency). This variant has not been reported in the literature in individuals affected with LAMA2-related conditions. For these reasons, this variant has been classified as Pathogenic.

Baylor Genetics
Classification: Likely pathogenic for Merosin deficient congenital muscular dystrophy. Last evaluated: 2023-05-13. Review status: criteria provided, single submitter. Criteria: ACMG Guidelines, 2015. Collection method: clinical testing. Allele origin: unknown.

Literature cited by the submitters: PubMed 18700894 (cited by Labcorp Genetics (formerly Invitae), Labcorp); PubMed 32904964 (cited by Labcorp Genetics (formerly Invitae), Labcorp).